The following is an entry in ClinVar:

ClinVar aggregate classification (germline): Pathogenic (1 of 4 stars; one submission).

Conditions:
Marfan syndrome (MFS). Also called: Marfan syndrome type 1; Marfan's syndrome; Marfan syndrome, classic; MARFAN SYNDROME, TYPE I; FBN1-Related Marfan Syndrome. Identifiers: Orphanet 284963, Orphanet 558, MedGen C0024796, MONDO:0007947, OMIM 154700.

Submission:

Mayo Clinic Laboratories, Mayo Clinic
Classification: Pathogenic for Marfan syndrome. Last evaluated: 2020-04-23. Review status: criteria provided, single submitter. Criteria: ACMG Guidelines, 2015. Collection method: clinical testing. Allele origin: germline. Affected: yes. Observed: 1 variant allele.
Comment: An in-frame deletion of exons 43-46 of the FBN1 gene. PVS1_Strong, PS3, PP4

Literature cited by the submitters: PubMed 11710961; PubMed 30286810.

Single allele

Gene: FBN1 (fibrillin 1; minus strand). Cytogenetic location: 15q21.1.
Variant type: Deletion.
Identifiers: ClinVar variation 1120153 (VCV001120153.5).